The following is an entry in ClinVar:

ClinVar aggregate classification (germline): Pathogenic/Likely pathogenic. Review status: criteria provided, multiple submitters, no conflicts (2 of 4 stars). 2 submissions from 2 submitters: Pathogenic (1); Likely pathogenic (1). Last evaluated 2025-09-24.

Conditions:
Galactosylceramide beta-galactosidase deficiency. Also called: Leukodystrophy, Globoid Cell; Krabbe Disease; GALACTOCEREBROSIDASE DEFICIENCY; GALC DEFICIENCY; GLOBOID CELL LEUKOENCEPHALOPATHY. Identifiers: Orphanet 487, MedGen C0023521, MONDO:0009499, OMIM 245200.

Submissions (2):

3billion
Classification: Pathogenic for Galactosylceramide beta-galactosidase deficiency. Last evaluated: 2025-09-24. Review status: criteria provided, single submitter. Criteria: ACMG Guidelines, 2015. Collection method: clinical testing. Allele origin: germline. Affected: yes.
Comment: The variant is not observed in the gnomAD v4.1.0 dataset. Predicted Consequence/Location: Canonical splice site: predicted to alter splicing and result in a loss or disruption of normal protein function. Multiple pathogenic loss-of-function variants are reported downstream of the variant. The variant has been reported to be associated with GALC-related disorder (ClinVar ID: VCV003576844). Therefore, this variant is classified as Pathogenic according to the recommendation of ACMG/AMP guideline.

Fulgent Genetics
Classification: Likely pathogenic for Galactosylceramide beta-galactosidase deficiency. Last evaluated: 2024-03-20. Review status: criteria provided, single submitter. Criteria: ACMG Guidelines, 2015. Collection method: clinical testing. Allele origin: germline.

NM_000153.4(GALC):c.1251+1G>C

Gene: GALC (galactosylceramidase; minus strand). Cytogenetic location: 14q31.3.
Variant type: single nucleotide variant.
Coding change: c.1251+1G>C on transcript NM_000153.4 (MANE Select); the canonical splice donor site of the intron after coding-DNA position 1251, G replaced by C.
Molecular consequence: splice donor variant.
Genome position (GRCh38, 1-based): chr14:87,950,658, C>G on the plus strand (G>C on the coding strand, the complement: GALC is on the minus strand). VCF-style: chr14-87950658-C-G. GRCh37 (hg19) VCF-style: chr14-88417002-C-G.
Other names: c.1173+1G>C (NM_001201402.2); c.1182+1G>C (NM_001201401.2); c.618+1G>C (NM_001424077.1, NM_001424076.1); c.903+1G>C (NM_001424075.1, NM_001424074.1); c.1083+1G>C (NM_001424072.1, NM_001424073.1, NM_001424071.1).
Identifiers: ClinVar variation 3576844 (VCV003576844.2).